The following is an entry in ClinVar:

ClinVar aggregate classification (germline): Pathogenic (1 of 4 stars; one submission).

Submission:

Labcorp Genetics (formerly Invitae), Labcorp
Classification: Pathogenic. Last evaluated: 2023-09-21. Review status: criteria provided, single submitter. Criteria: Invitae Variant Classification Sherloc (09022015). Collection method: clinical testing. Allele origin: germline.
Comment: This sequence change creates a premature translational stop signal (p.Leu1351Ilefs*3) in the LRPPRC gene. It is expected to result in an absent or disrupted protein product. Loss-of-function variants in LRPPRC are known to be pathogenic (PMID: 26510951). For these reasons, this variant has been classified as Pathogenic. ClinVar contains an entry for this variant (Variation ID: 1443686). This variant has not been reported in the literature in individuals affected with LRPPRC-related conditions. This variant is not present in population databases (gnomAD no frequency).

Literature cited by the submitters: PubMed 26510951.

NM_133259.4(LRPPRC):c.4050dup (p.Leu1351fs)

Gene: LRPPRC (leucine rich pentatricopeptide repeat containing; minus strand). Cytogenetic location: 2p21.
Variant type: Duplication.
Coding change: c.4050dup on transcript NM_133259.4 (MANE Select); coding-DNA position 4050, one base duplicated (A; older notation c.4050dupA).
Protein change: p.Leu1351fs; shifts the reading frame from leucine 1351.
Molecular consequence: frameshift variant.
Genome position (GRCh38, 1-based): chr2:43,889,812, T duplicated on the plus strand (A on the coding strand, the reverse complement: LRPPRC is on the minus strand); the first of 4 consecutive T bases (chr2:43,889,812-43,889,815); duplicating any one gives the same sequence. VCF-style (leftmost placement, unchanged base first): chr2-43889811-A-AT. GRCh37 (hg19) VCF-style: chr2-44116950-A-AT.
Other names: short protein forms L1351fs.
Identifiers: ClinVar variation 1443686 (VCV001443686.6), dbSNP rs2104970514, ClinGen allele CA2573134713.
Genomic context (GRCh38, chr2:43,889,811, plus strand): 5'-GGACAGGCTCTCCAGCATACTTCAGCAAAGATGCGTAACGCTTTAGAAACAGATCATCCA[A>AT]TTTTGTATTCTTTGCAGTCAAATGTTCATACAGTGCTTTAGCAGATGTGACATCTTTCTC-3'